The following is an entry in ClinVar:

ClinVar aggregate classification (germline): Conflicting classifications of pathogenicity. Review status: criteria provided, conflicting classifications (1 of 4 stars). 10 submissions from 10 submitters: Pathogenic (2); Likely pathogenic (3); Uncertain significance (4). 1 of the submissions does not count toward it. Last evaluated 2026-09-06.

Conditions:
OCA2-related disorder. Also called: OCA2-related condition.
Oculocutaneous albinism. Identifiers: Orphanet 55, MedGen C0078918, MONDO:0018910.
Tyrosinase-positive oculocutaneous albinism (OCA2). Also called: ALBINISM II; Albinism, oculocutaneous, type II; Oculocutaneous albinism type 2. Identifiers: Orphanet 79432, MedGen C0268495, MONDO:0008746, OMIM 203200.
SKIN/HAIR/EYE PIGMENTATION 1, BLUE/NONBLUE EYES (SHEP1). Also called: SKIN/HAIR/EYE PIGMENTATION 1, BLOND/BROWN HAIR; SKIN/HAIR/EYE PIGMENTATION 1, BLUE/BROWN EYES; EYE COLOR 3; EYE COLOR, BLUE/NONBLUE; EYE COLOR, BROWN/BLUE; HAIR COLOR 3. Identifiers: MedGen C1856895, OMIM 227220.

Allele frequency attached by ClinVar (database versions not stated): gnomAD exomes 0.00001 and 0.00003; ExAC 0.00002; gnomAD 0.00008 and 0.00009; TOPMed 0.00012.
gnomAD v4.1: 24 of 1,611,804 alleles (0.0015%); highest among the groups gnomAD compares: African/African-American, 0.031%; no homozygotes.

Submissions (10):

GeneDx
Classification: Likely pathogenic. Last evaluated: 2026-09-06. Review status: criteria provided, single submitter. Criteria: GeneDx Variant Classification Process June 2021. Collection method: clinical testing. Allele origin: germline.
Comment: In silico analysis supports that this missense variant has a deleterious effect on protein structure/function; This variant is associated with the following publications: (PMID: 38720644, 29345414)

Women's Health and Genetics/Laboratory Corporation of America, LabCorp
Classification: Pathogenic for Oculocutaneous albinism. Last evaluated: 2026-04-09. Review status: criteria provided, single submitter. Criteria: LabCorp Variant Classification Summary - May 2015. Collection method: clinical testing. Allele origin: germline.
Comment: Variant summary: OCA2 c.2425T>A (p.Phe809Ile) results in a non-conservative amino acid change in the encoded protein sequence. Algorithms developed to predict the effect of missense changes on protein structure and function all suggest that this variant is likely to be disruptive. The variant allele was found at a frequency of 3.2e-05 in 251442 control chromosomes. c.2425T>A has been observed in the presumed compound heterozygous state in multiple individual(s) affected with Oculocutaneous Albinism (example, Lasseau_2018, Diallo_2024, internal data). These data indicate that the variant is likely to be associated with disease. To our knowledge, no experimental evidence demonstrating an impact on protein function has been reported. The following publications have been ascertained in the context of this evaluation (PMID: 29345414, 38720644). ClinVar contains an entry for this variant (Variation ID: 195725). Based on the evidence outlined above, the variant was classified as pathogenic.

Labcorp Genetics (formerly Invitae), Labcorp
Classification: Pathogenic. Last evaluated: 2026-01-12. Review status: criteria provided, single submitter. Criteria: Invitae Variant Classification Sherloc (09022015). Collection method: clinical testing. Allele origin: germline.
Comment: This sequence change replaces phenylalanine, which is neutral and non-polar, with isoleucine, which is neutral and non-polar, at codon 809 of the OCA2 protein (p.Phe809Ile). This variant is present in population databases (rs765779905, gnomAD 0.05%). This missense change has been observed in individual(s) with ocular albinism (PMID: 29345414; internal data). In at least one individual the data is consistent with being in trans (on the opposite chromosome) from a pathogenic variant. ClinVar contains an entry for this variant (Variation ID: 195725). Invitae Evidence Modeling of protein sequence and biophysical properties (such as structural, functional, and spatial information, amino acid conservation, physicochemical variation, residue mobility, and thermodynamic stability) indicates that this missense variant is expected to disrupt OCA2 protein function with a positive predictive value of 80%. For these reasons, this variant has been classified as Pathogenic.

Baylor Genetics
Classification: Likely pathogenic for SKIN/HAIR/EYE PIGMENTATION 1, BLUE/NONBLUE EYES. Last evaluated: 2024-02-29. Review status: criteria provided, single submitter. Criteria: ACMG Guidelines, 2015. Collection method: clinical testing. Allele origin: unknown.

Revvity Omics, Revvity
Classification: Uncertain significance. Last evaluated: 2024-02-02. Review status: criteria provided, single submitter. Criteria: ACMG Guidelines, 2015. Collection method: clinical testing. Allele origin: germline.

Blueprint Genetics
Classification: Uncertain significance. Last evaluated: 2022-09-09. Review status: criteria provided, single submitter. Criteria: ACMG Guidelines, 2015. Collection method: clinical testing. Allele origin: germline.

Genome-Nilou Lab
Classification: Uncertain significance for Tyrosinase-positive oculocutaneous albinism. Last evaluated: 2021-11-07. Review status: criteria provided, single submitter. Criteria: ACMG Guidelines, 2015. Collection method: clinical testing. Allele origin: germline. Affected: no.

Eurofins Ntd Llc (ga)
Classification: Uncertain significance. Last evaluated: 2016-11-22. Review status: criteria provided, single submitter. Criteria: EGL Classification Definitions 2015. Collection method: clinical testing. Allele origin: germline. Observed: 3 variant alleles, 3 heterozygotes.

Genetic Services Laboratory, University of Chicago
Classification: Likely pathogenic for Albinism, oculocutaneous, type II. Last evaluated: 2016-03-28. Review status: criteria provided, single submitter. Criteria: ACMG Guidelines, 2015. Collection method: clinical testing. Allele origin: germline. Affected: yes.

PreventionGenetics, part of Exact Sciences
Classification: Likely pathogenic for OCA2-related condition. Last evaluated: 2024-04-30. Review status: no assertion criteria provided. Collection method: clinical testing. Allele origin: germline. Not counted in ClinVar's aggregate classification.
Comment: The OCA2 c.2425T>A variant is predicted to result in the amino acid substitution p.Phe809Ile. This variant has been reported along with a second OCA2 variant in at least two unrelated individuals with oculocutaneous albinism (Supplemental Table 3, Lasseaux et al. 2018. PubMed ID: 29345414). Additionally, we have observed this variant here at PreventionGenetics in several individuals with oculocutaneous albinism who also harbored a second pathogenic variant in OCA2. This variant is reported in 0.048% of alleles in individuals of African descent in gnomAD. This variant has conflicting interpretations in the ClinVar database including uncertain, likely pathogenic, and pathogenic. Given the evidence, we interpret c.2425T>A (p.Phe809Ile) as likely pathogenic.

Literature cited by the submitters: PubMed 29345414 (cited by Women's Health and Genetics/Laboratory Corporation of America, LabCorp and Labcorp Genetics (formerly Invitae), Labcorp); PubMed 38720644 (cited by Women's Health and Genetics/Laboratory Corporation of America, LabCorp).

NM_000275.3(OCA2):c.2425T>A (p.Phe809Ile)

Gene: OCA2 (OCA2 melanosomal transmembrane protein; minus strand). Cytogenetic location: 15q13.1.
Variant type: single nucleotide variant.
Coding change: c.2425T>A on transcript NM_000275.3 (MANE Select); coding-DNA position 2425, T replaced by A.
Protein change: p.Phe809Ile; replaces phenylalanine 809 with isoleucine.
Molecular consequence: missense variant.
Genome position (GRCh38, 1-based): chr15:27,844,966, A>T on the plus strand (T>A on the coding strand, the complement: OCA2 is on the minus strand). VCF-style: chr15-27844966-A-T. GRCh37 (hg19) VCF-style: chr15-28090112-A-T.
Other names: c.2353T>A, p.Phe785Ile (NM_001300984.2); short protein forms F809I, F785I.
Identifiers: ClinVar variation 195725 (VCV000195725.34), dbSNP rs765779905, ClinGen allele CA242287.